The following is an entry in ClinVar:

ClinVar aggregate classification (germline): Conflicting classifications of pathogenicity. Review status: criteria provided, conflicting classifications (1 of 4 stars). 3 submissions from 3 submitters: Pathogenic (2); Uncertain significance (1). Last evaluated 2026-06-09.

Conditions:
Cardiovascular phenotype. Identifiers: MedGen CN230736.
Charcot-Marie-Tooth disease type 2. Also called: Charcot-Marie-Tooth type 2. Identifiers: Orphanet 64746, MedGen C0270914, MONDO:0018993.

Submissions (3):

Ambry Genetics
Classification: Pathogenic for Cardiovascular phenotype. Last evaluated: 2026-06-09. Review status: criteria provided, single submitter. Criteria: Ambry Variant Classification Scheme 2023. Collection method: clinical testing. Allele origin: germline.
Comment: The p.D364N pathogenic mutation (also known as c.1090G>A), located in coding exon 6 of the LMNA gene, results from a G to A substitution at nucleotide position 1090. The aspartic acid at codon 364 is replaced by asparagine, an amino acid with highly similar properties. This variant was reported in individual(s) with features consistent with LMNA-related laminopathy, including individuals with skeletal myopathies; in at least one individual, it was determined to be de novo (Park HJ et al. Clin Genet, 2017 03;91:403-410; Fan Y et al. J Med Genet, 2021 05;58:326-333; Gorukmez O et al. Am J Med Genet A. 2023 Jun;191(6):1557-1564). Based on internal structural analysis, this variant is anticipated to disrupt a region of known function (Kapinos LE et al. J Mol Biol, 2011 Apr;408:135-46; Ahn J et al. Nat Commun, 2019 Aug;10:3757). This amino acid position is highly conserved in available vertebrate species. In addition, the in silico prediction for this alteration is inconclusive. This variant is considered to be rare based on population cohorts in the Genome Aggregation Database (gnomAD). Based on the supporting evidence, this variant is interpreted as a disease-causing mutation.

Labcorp Genetics (formerly Invitae), Labcorp
Classification: Pathogenic for Charcot-Marie-Tooth disease type 2. Last evaluated: 2022-11-28. Review status: criteria provided, single submitter. Criteria: Invitae Variant Classification Sherloc (09022015). Collection method: clinical testing. Allele origin: germline.
Comment: Advanced modeling of protein sequence and biophysical properties (such as structural, functional, and spatial information, amino acid conservation, physicochemical variation, residue mobility, and thermodynamic stability) performed at Invitae indicates that this missense variant is expected to disrupt LMNA protein function. For these reasons, this variant has been classified as Pathogenic. ClinVar contains an entry for this variant (Variation ID: 242000). This sequence change replaces aspartic acid, which is acidic and polar, with asparagine, which is neutral and polar, at codon 364 of the LMNA protein (p.Asp364Asn). This variant is not present in population databases (gnomAD no frequency). This missense change has been observed in individual(s) with clinical features of limb girdle muscular dystrophy and/or Emery-Dreifuss muscular dystrophy (PMID: 27363342, 32571898). In at least one individual the variant was observed to be de novo.

Eurofins Ntd Llc (ga)
Classification: Uncertain significance. Last evaluated: 2015-08-19. Review status: criteria provided, single submitter. Criteria: EGL Classification Definitions 2015. Collection method: clinical testing. Allele origin: germline. Observed: 1 variant allele, 1 heterozygote.

Literature cited by the submitters: PubMed 21354179 (cited by Ambry Genetics); PubMed 27363342 (cited by Ambry Genetics and Labcorp Genetics (formerly Invitae), Labcorp); PubMed 31434876 (cited by Ambry Genetics); PubMed 32571898 (cited by Ambry Genetics and Labcorp Genetics (formerly Invitae), Labcorp); PubMed 36964972 (cited by Ambry Genetics).

NM_170707.4(LMNA):c.1090G>A (p.Asp364Asn)

Gene: LMNA (lamin A/C; plus strand). Cytogenetic location: 1q22.
Variant type: single nucleotide variant.
Coding change: c.1090G>A on transcript NM_170707.4 (MANE Select); coding-DNA position 1090, G replaced by A.
Protein change: p.Asp364Asn; replaces aspartic acid 364 with asparagine.
Molecular consequence: missense variant.
Genome position (GRCh38, 1-based): chr1:156,136,054, G>A. VCF-style: chr1-156136054-G-A. GRCh37 (hg19) VCF-style: chr1-156105845-G-A.
Other names: c.1090G>A (NM_170707.2); c.754G>A, p.Asp252Asn (NM_001257374.3); c.847G>A, p.Asp283Asn (NM_001282624.2); c.1090G>A, p.Asp364Asn (NM_001282625.2, NM_001282626.2, NM_005572.4 and 1 more transcripts); short protein forms D364N, D252N, D283N.
Identifiers: ClinVar variation 242000 (VCV000242000.17), dbSNP rs878855231, ClinGen allele CA10581729.